The following is an entry in ClinVar:

ClinVar aggregate classification (germline): Uncertain significance (1 of 4 stars; one submission).

Conditions:
Hereditary cancer-predisposing syndrome. Also called: Hereditary Cancer Syndrome; Hereditary neoplastic syndrome; Neoplastic Syndromes, Hereditary; Tumor predisposition. Identifiers: Orphanet 140162, MedGen C0027672, MeSH D009386, MONDO:0015356.

Submission:

Ambry Genetics
Classification: Uncertain significance for Hereditary cancer-predisposing syndrome. Last evaluated: 2022-07-05. Review status: criteria provided, single submitter. Criteria: Ambry Variant Classification Scheme 2023. Collection method: clinical testing. Allele origin: germline.
Comment: The p.P3194L variant (also known as c.9581C>T), located in coding exon 25 of the BRCA2 gene, results from a C to T substitution at nucleotide position 9581. The proline at codon 3194 is replaced by leucine, an amino acid with similar properties. This amino acid position is conserved. In addition, this alteration is predicted to be tolerated by in silico analysis. Since supporting evidence is limited at this time, the clinical significance of this alteration remains unclear.

NM_000059.4(BRCA2):c.9581C>T (p.Pro3194Leu)

Gene: BRCA2 (BRCA2 DNA repair associated; plus strand). Cytogenetic location: 13q13.1.
Variant type: single nucleotide variant.
Coding change: c.9581C>T on transcript NM_000059.4 (MANE Select); coding-DNA position 9581, C replaced by T.
Protein change: p.Pro3194Leu; replaces proline 3194 with leucine.
Molecular consequence: missense variant.
Genome position (GRCh38, 1-based): chr13:32,396,977, C>T. VCF-style: chr13-32396977-C-T. GRCh37 (hg19) VCF-style: chr13-32971114-C-T.
Other names: c.9485C>T, p.Pro3162Leu (NM_001406719.1); c.9530C>T, p.Pro3177Leu (NM_001406720.1); c.4649C>T, p.Pro1550Leu (NM_001406721.1); c.3164C>T, p.Pro1055Leu (NM_001406722.1); short protein forms P3162L, P3177L, P1055L, P1550L, P3194L.
Identifiers: ClinVar variation 1767456 (VCV001767456.2), dbSNP rs28897760, ClinGen allele CA387763425.
Genomic context (GRCh38, chr13:32,396,977, plus strand): 5'-ATGAAGCAGAAAACAAGCTTATGCATATACTGCATGCAAATGATCCCAAGTGGTCCACCC[C>T]AACTAAAGACTGTACTTCAGGGCCGTACACTGCTCAAATCATTCCTGGTACAGGAAACAA-3'
Protein context (NP_000050.3, residues 3184-3204): LHANDPKWST[Pro3194Leu]TKDCTSGPYT